The following is an entry in ClinVar:

ClinVar aggregate classification (germline): Conflicting classifications of pathogenicity. Review status: criteria provided, conflicting classifications (1 of 4 stars). 4 submissions from 4 submitters: Likely pathogenic (1); Uncertain significance (3). Last evaluated 2025-02-06.

Conditions:
Cystinuria (CSNU). Also called: CYSTINURIA, TYPE I; CYSTINURIA, TYPE II; CYSTINURIA, TYPE III; Cystinuria, non-type I. Identifiers: Orphanet 214, MedGen C0010691, MONDO:0009067, OMIM 220100, HP:0003131.

Allele frequency attached by ClinVar (database versions not stated): gnomAD 0.00002; ESP Exome Variant Server 0.00008; TOPMed 0.00002.
gnomAD v4.1: 25 of 1,613,872 alleles (0.0015%); highest among the groups gnomAD compares: Non-Finnish European, 0.0019%; no homozygotes.

Submissions (4):

Mayo Clinic Laboratories, Mayo Clinic
Classification: Uncertain significance. Last evaluated: 2025-02-06. Review status: criteria provided, single submitter. Criteria: ACMG Guidelines, 2015. Collection method: clinical testing. Allele origin: germline. Observed: 1 variant allele.
Comment: PP3

Labcorp Genetics (formerly Invitae), Labcorp
Classification: Likely pathogenic for Cystinuria. Last evaluated: 2025-01-13. Review status: criteria provided, single submitter. Criteria: Invitae Variant Classification Sherloc (09022015). Collection method: clinical testing. Allele origin: germline.
Comment: This sequence change replaces arginine, which is basic and polar, with histidine, which is basic and polar, at codon 456 of the SLC3A1 protein (p.Arg456His). This variant is present in population databases (rs373852467, gnomAD 0.003%). This missense change has been observed in individual(s) with clinical features of cystinuria (PMID: 15635077; internal data). ClinVar contains an entry for this variant (Variation ID: 895723). Invitae Evidence Modeling of protein sequence and biophysical properties (such as structural, functional, and spatial information, amino acid conservation, physicochemical variation, residue mobility, and thermodynamic stability) has been performed for this missense variant. However, the output from this modeling did not meet the statistical confidence thresholds required to predict the impact of this variant on SLC3A1 protein function. This variant disrupts the p.Arg456 amino acid residue in SLC3A1. Other variant(s) that disrupt this residue have been determined to be pathogenic (PMID: 15635077, 23532419, 116225397; internal data). This suggests that this residue is clinically significant, and that variants that disrupt this residue are likely to be disease-causing. In summary, the currently available evidence indicates that the variant is pathogenic, but additional data are needed to prove that conclusively. Therefore, this variant has been classified as Likely Pathogenic.

Fulgent Genetics
Classification: Uncertain significance for Cystinuria. Last evaluated: 2024-05-22. Review status: criteria provided, single submitter. Criteria: ACMG Guidelines, 2015. Collection method: clinical testing. Allele origin: germline.

Illumina Laboratory Services, Illumina
Classification: Uncertain significance for Cystinuria. Last evaluated: 2017-04-27. Review status: criteria provided, single submitter. Criteria: ICSL Variant Classification Criteria 13 December 2019. Collection method: clinical testing. Allele origin: germline.
Comment: This variant was observed as part of a predisposition screen in an ostensibly healthy population. A literature search was performed for the gene, cDNA change, and amino acid change (where applicable). Publications were found based on this search. However, the evidence from the literature, in combination with allele frequency data from public databases where available, was not sufficient to rule this variant in or out of causing disease. Therefore, this variant is classified as a variant of unknown significance.

Literature cited by the submitters: PubMed 15635077 (cited by 3 submitters); PubMed 28812535 (cited by Mayo Clinic Laboratories, Mayo Clinic); PubMed 23532419 (cited by Labcorp Genetics (formerly Invitae), Labcorp); PubMed 116225397 (cited by Labcorp Genetics (formerly Invitae), Labcorp).

NM_000341.4(SLC3A1):c.1367G>A (p.Arg456His)

Gene: SLC3A1 (solute carrier family 3 member 1; plus strand). Cytogenetic location: 2p21.
Variant type: single nucleotide variant.
Coding change: c.1367G>A on transcript NM_000341.4 (MANE Select); coding-DNA position 1367, G replaced by A.
Protein change: p.Arg456His; replaces arginine 456 with histidine.
Molecular consequence: missense variant.
Genome position (GRCh38, 1-based): chr2:44,312,620, G>A. VCF-style: chr2-44312620-G-A. GRCh37 (hg19) VCF-style: chr2-44539759-G-A.
Other names: p.Arg456His; short protein forms R456H.
Identifiers: ClinVar variation 895723 (VCV000895723.10), dbSNP rs373852467, ClinGen allele CA1640568.